The following is an entry in ClinVar:

ClinVar aggregate classification (germline): Uncertain significance (1 of 4 stars; one submission).

gnomAD v4.1: 4 of 1,614,096 alleles (0.00025%); highest among the groups gnomAD compares: Non-Finnish European, 0.00034%; no homozygotes.

Submission:

GeneDx
Classification: Uncertain significance. Last evaluated: 2026-04-17. Review status: criteria provided, single submitter. Criteria: GeneDx Variant Classification Process June 2021. Collection method: clinical testing. Allele origin: germline.
Comment: Not observed at significant frequency in large population cohorts (gnomAD); In silico analysis suggests that this missense variant does not alter protein structure/function; Has not been previously published as pathogenic or benign to our knowledge

NM_001134407.3(GRIN2A):c.4069C>G (p.Leu1357Val)

Gene: GRIN2A (glutamate ionotropic receptor NMDA type subunit 2A; minus strand). Cytogenetic location: 16p13.2.
Variant type: single nucleotide variant.
Coding change: c.4069C>G on transcript NM_001134407.3 (MANE Select); coding-DNA position 4069, C replaced by G.
Protein change: p.Leu1357Val; replaces leucine 1357 with valine.
Molecular consequence: missense variant. On other transcripts: intron variant (1).
Genome position (GRCh38, 1-based): chr16:9,763,475, G>C on the plus strand (C>G on the coding strand, the complement: GRIN2A is on the minus strand). VCF-style: chr16-9763475-G-C. GRCh37 (hg19) VCF-style: chr16-9857332-G-C.
Other names: c.4069C>G, p.Leu1357Val (NM_000833.5); c.3773-47C>G (NM_001134408.2); short protein forms L1357V.
Identifiers: ClinVar variation 3369452 (VCV003369452.2).